The following is an entry in ClinVar:

ClinVar aggregate classification (germline): Uncertain significance (1 of 4 stars; one submission).

Conditions:
Atrial septal defect 2 (ASD2). Identifiers: Orphanet 1478, MedGen C1842778, MONDO:0011938, OMIM 607941.
Tetralogy of Fallot (TOF). Identifiers: Orphanet 3303, MedGen C0039685, MONDO:0008542, OMIM 187500, HP:0001636.
Ventricular septal defect 1 (VSD1). Identifiers: MedGen C3280777, MONDO:0013746, OMIM 614429.
Atrioventricular septal defect 4 (AVSD4). Identifiers: MedGen C3280781, MONDO:0013747, OMIM 614430.
Testicular anomalies with or without congenital heart disease (TACHD). Identifiers: Orphanet 251510, MedGen C3809858, MONDO:0014239, OMIM 615542.

Submission:

Juno Genomics, Hangzhou Juno Genomics, Inc
Classification: Uncertain significance for Testicular anomalies with or without congenital heart disease; Atrial septal defect 2; Atrioventricular septal defect 4; Tetralogy of Fallot; Ventricular septal defect 1. Review status: criteria provided, single submitter. Criteria: ACMG Guidelines, 2015. Collection method: clinical testing. Allele origin: germline.
Comment: Absent from controls (or at extremely low frequency if recessive) in Genome Aggregation Database.;Multiple lines of computational evidence support a deleterious effect on the gene or gene product.

NM_001308093.3(GATA4):c.9G>C (p.Gln3His)

Gene: GATA4 (GATA binding protein 4). Cytogenetic location: 8p23.1.
Variant type: single nucleotide variant.
Coding change: c.9G>C on transcript NM_001308093.3 (MANE Select); coding-DNA position 9, G replaced by C.
Protein change: p.Gln3His; replaces glutamine 3 with histidine.
Molecular consequence: missense variant. On other transcripts: intron variant (3).
Genome position (GRCh38, 1-based): chr8:11,708,321, G>C. VCF-style: chr8-11708321-G-C. GRCh37 (hg19) VCF-style: chr8-11565830-G-C.
Other names: c.9G>C, p.Gln3His (NM_002052.5); c.-6+7543G>C (NM_001308094.2); c.-3+307G>C (NM_001374274.1); c.-3+4017G>C (NM_001374273.1); short protein forms Q3H.
Identifiers: ClinVar variation 5019699 (VCV005019699.2).
Genomic context (GRCh38, chr8:11,708,321, plus strand): 5'-CTTGACCTGCGAGGGAGAGAGAGGACACCGAAGCCGGGAGCTCGCAGGGACCATGTATCA[G>C]AGCTTGGCCATGGCCGCCAACCACGGGCCGCCCCCCGGTGCCTACGAGGCGGGCGGCCCC-3'
Protein context (NP_001295022.1, residues 1-13): MY[Gln3His]SLAMAANHGP